The following is an entry in ClinVar:

NM_002017.5(FLI1):c.423G>A (p.Trp141Ter)

Gene: FLI1 (Fli-1 proto-oncogene, ETS transcription factor; plus strand). Cytogenetic location: 11q24.3.
Variant type: single nucleotide variant.
Coding change: c.423G>A on transcript NM_002017.5 (MANE Select); coding-DNA position 423, G replaced by A.
Protein change: p.Trp141Ter; replaces tryptophan 141 with a stop codon.
Molecular consequence: nonsense. On other transcripts: intron variant (1).
Genome position (GRCh38, 1-based): chr11:128,772,819, G>A. VCF-style: chr11-128772819-G-A. GRCh37 (hg19) VCF-style: chr11-128642714-G-A.
Other names: c.324G>A, p.Trp108Ter (NM_001167681.3, NM_001440369.1, NM_001440370.1 and 1 more transcripts); c.225G>A, p.Trp75Ter (NM_001271010.2); c.423G>A, p.Trp141Ter (NM_001440372.1); c.11-9139G>A (NM_001271012.2); short protein forms W108*, W141*, W75*.
Identifiers: ClinVar variation 4082604 (VCV004082604.1).
Genomic context (GRCh38, chr11:128,772,819, plus strand): 5'-TAACAACGTCTTCTCCTCTGCAGACCCCACACTGTGGACACAGGAGCATGTGAGGCAATG[G>A]CTGGAGTGGGCCATAAAGGAGTACAGCTTGATGGAGATCGACACATCCTTTTTCCAGAAC-3'

ClinVar aggregate classification (germline): Uncertain significance (1 of 4 stars; one submission).

Submission:

GeneDx
Classification: Uncertain significance. Last evaluated: 2025-03-02. Review status: criteria provided, single submitter. Criteria: GeneDx Variant Classification Process June 2021. Collection method: clinical testing. Allele origin: germline. Affected: yes.
Comment: Not observed at significant frequency in large population cohorts (gnomAD); Has not been previously published as pathogenic or benign to our knowledge; Nonsense variant predicted to result in protein truncation or nonsense mediated decay in a gene for which loss-of-function is not an established mechanism of disease